The following is an entry in ClinVar:

NM_021930.6(RINT1):c.528G>T (p.Gln176His)

Gene: RINT1 (RAD50 interactor 1; plus strand). Cytogenetic location: 7q22.3.
Variant type: single nucleotide variant.
Coding change: c.528G>T on transcript NM_021930.6 (MANE Select); coding-DNA position 528, G replaced by T.
Protein change: p.Gln176His; replaces glutamine 176 with histidine.
Molecular consequence: missense variant. On other transcripts: 5 prime UTR variant (2), non-coding transcript variant (1), intron variant (1).
Genome position (GRCh38, 1-based): chr7:105,546,922, G>T. VCF-style: chr7-105546922-G-T. GRCh37 (hg19) VCF-style: chr7-105187369-G-T.
Other names: c.294G>T, p.Gln98His (NM_001346599.2); c.-492G>T (NM_001346600.2); c.-395G>T (NM_001346601.2); c.-27-3133G>T (NM_001346603.2); c.528G>T (NM_021930.4); short protein forms Q98H, Q176H.
Identifiers: ClinVar variation 2161667 (VCV002161667.5), dbSNP rs2133386120, ClinGen allele CA368805287.

ClinVar aggregate classification (germline): Uncertain significance. Review status: criteria provided, multiple submitters, no conflicts (2 of 4 stars). 2 submissions from 2 submitters: Uncertain significance (2). Last evaluated 2025-10-01.

Allele frequency attached by ClinVar (database versions not stated): gnomAD exomes below 0.00001.
gnomAD v4.1: 2 of 1,601,952 alleles (0.00012%); highest among the groups gnomAD compares: Non-Finnish European, 0.00017%; no homozygotes.

Submissions (2):

Ambry Genetics
Classification: Uncertain significance. Last evaluated: 2025-10-01. Review status: criteria provided, single submitter. Criteria: Ambry Variant Classification Scheme 2023. Collection method: clinical testing. Allele origin: germline.
Comment: The p.Q176H variant (also known as c.528G>T), located in coding exon 5 of the RINT1 gene, results from a G to T substitution at nucleotide position 528. The glutamine at codon 176 is replaced by histidine, an amino acid with highly similar properties. This amino acid position is conserved. In addition, the in silico prediction for this alteration is inconclusive. Based on the available evidence, the clinical significance of this variant remains unclear.

Labcorp Genetics (formerly Invitae), Labcorp
Classification: Uncertain significance. Last evaluated: 2023-01-14. Review status: criteria provided, single submitter. Criteria: Invitae Variant Classification Sherloc (09022015). Collection method: clinical testing. Allele origin: germline.
Comment: Algorithms developed to predict the effect of missense changes on protein structure and function are either unavailable or do not agree on the potential impact of this missense change (SIFT: "Tolerated"; PolyPhen-2: "Probably Damaging"; Align-GVGD: "Class C0"). In summary, the available evidence is currently insufficient to determine the role of this variant in disease. Therefore, it has been classified as a Variant of Uncertain Significance. This variant has not been reported in the literature in individuals affected with RINT1-related conditions. This variant is not present in population databases (gnomAD no frequency). This sequence change replaces glutamine, which is neutral and polar, with histidine, which is basic and polar, at codon 176 of the RINT1 protein (p.Gln176His).